The following is an entry in ClinVar:

ClinVar aggregate classification (germline): Likely pathogenic (1 of 4 stars; one submission).

Submission:

Labcorp Genetics (formerly Invitae), Labcorp
Classification: Likely pathogenic. Last evaluated: 2023-11-27. Review status: criteria provided, single submitter. Criteria: Invitae Variant Classification Sherloc (09022015). Collection method: clinical testing. Allele origin: germline.
Comment: This sequence change affects a donor splice site in intron 10 of the C6 gene. It is expected to disrupt RNA splicing. Variants that disrupt the donor or acceptor splice site typically lead to a loss of protein function (PMID: 16199547), and loss-of-function variants in C6 are known to be pathogenic (PMID: 17257682). This variant is not present in population databases (gnomAD no frequency). This variant has not been reported in the literature in individuals affected with C6-related conditions. Algorithms developed to predict the effect of sequence changes on RNA splicing suggest that this variant may disrupt the consensus splice site. In summary, the currently available evidence indicates that the variant is pathogenic, but additional data are needed to prove that conclusively. Therefore, this variant has been classified as Likely Pathogenic.

Literature cited by the submitters: PubMed 16199547; PubMed 17257682.

NM_000065.5(C6):c.1458+2T>A

Gene: C6 (complement C6; minus strand). Cytogenetic location: 5p13.1.
Variant type: single nucleotide variant.
Coding change: c.1458+2T>A on transcript NM_000065.5 (MANE Select); the canonical splice donor site of the intron after coding-DNA position 1458, T replaced by A.
Molecular consequence: splice donor variant.
Genome position (GRCh38, 1-based): chr5:41,161,691, A>T on the plus strand (T>A on the coding strand, the complement: C6 is on the minus strand). VCF-style: chr5-41161691-A-T. GRCh37 (hg19) VCF-style: chr5-41161793-A-T.
Other names: c.1458+2T>A (NM_001115131.4).
Identifiers: ClinVar variation 2858057 (VCV002858057.3), dbSNP rs2478496882, ClinGen allele CA359598079.